The following is an entry in ClinVar:

ClinVar aggregate classification (germline): Likely benign (1 of 4 stars; one submission).

Submission:

CeGaT Center for Human Genetics Tuebingen
Classification: Likely benign. Last evaluated: 2023-02-01. Review status: criteria provided, single submitter. Criteria: CeGaT Center For Human Genetics Tuebingen Variant Classification Criteria Version 2. Collection method: clinical testing. Allele origin: germline. Affected: yes. Observed: 1 variant allele.
Comment: SHANK3: BS2

NM_001372044.2(SHANK3):c.16GCC[7] (p.Ala13del)

Gene: SHANK3 (SH3 and multiple ankyrin repeat domains 3; plus strand). Cytogenetic location: 22q13.33.
Variant type: Microsatellite.
Coding change: c.16GCC[7] on transcript NM_001372044.2 (MANE Select); seven copies in a row of the 3-base unit GCC starting at c.16; the reference has eight copies in a row; one copy, 3 bases deleted.
Protein change: p.Ala13del; deletes alanine 13.
Molecular consequence: inframe deletion.
Genome position (GRCh38, 1-based): chr22:50,674,451-50,674,453, GCC deleted; deleting any 3 consecutive bases within chr22:50,674,429-50,674,453 gives the same sequence; the position shown is the placement nearest the transcript's 3' end. VCF-style (leftmost placement, unchanged base first): chr22-50674428-GCGC-G. GRCh37 (hg19) VCF-style: chr22-51112856-GCGC-G.
Other names: short protein forms A13del.
Identifiers: ClinVar variation 2498915 (VCV002498915.28), dbSNP rs975668627, ClinGen allele CA640058729.